The following is an entry in ClinVar:

NM_004525.3(LRP2):c.11684G>A (p.Arg3895His)

Gene: LRP2 (LDL receptor related protein 2; minus strand). Cytogenetic location: 2q31.1.
Variant type: single nucleotide variant.
Coding change: c.11684G>A on transcript NM_004525.3 (MANE Select); coding-DNA position 11684, G replaced by A.
Protein change: p.Arg3895His; replaces arginine 3895 with histidine.
Molecular consequence: missense variant.
Genome position (GRCh38, 1-based): chr2:169,166,006, C>T on the plus strand (G>A on the coding strand, the complement: LRP2 is on the minus strand). VCF-style: chr2-169166006-C-T. GRCh37 (hg19) VCF-style: chr2-170022516-C-T.
Other names: short protein forms R3895H.
Identifiers: ClinVar variation 1496426 (VCV001496426.5), dbSNP rs1294833897, ClinGen allele CA349140290.

ClinVar aggregate classification (germline): Uncertain significance (1 of 4 stars; one submission).

Allele frequency attached by ClinVar (database versions not stated): TOPMed 0.00001.
gnomAD v4.1: 13 of 1,614,000 alleles (0.00081%); highest among the groups gnomAD compares: Middle Eastern, 0.016%; no homozygotes.

Submission:

Labcorp Genetics (formerly Invitae), Labcorp
Classification: Uncertain significance. Last evaluated: 2022-03-10. Review status: criteria provided, single submitter. Criteria: Invitae Variant Classification Sherloc (09022015). Collection method: clinical testing. Allele origin: germline.
Comment: This sequence change replaces arginine, which is basic and polar, with histidine, which is basic and polar, at codon 3895 of the LRP2 protein (p.Arg3895His). This variant is not present in population databases (gnomAD no frequency). This variant has not been reported in the literature in individuals affected with LRP2-related conditions. Algorithms developed to predict the effect of missense changes on protein structure and function are either unavailable or do not agree on the potential impact of this missense change (SIFT: "Deleterious"; PolyPhen-2: "Probably Damaging"; Align-GVGD: "Class C0"). In summary, the available evidence is currently insufficient to determine the role of this variant in disease. Therefore, it has been classified as a Variant of Uncertain Significance.